The following is an entry in ClinVar:

NM_012414.4(RAB3GAP2):c.2534A>G (p.His845Arg)

Gene: RAB3GAP2 (RAB3 GTPase activating non-catalytic protein subunit 2; minus strand). Cytogenetic location: 1q41.
Variant type: single nucleotide variant.
Coding change: c.2534A>G on transcript NM_012414.4 (MANE Select); coding-DNA position 2534, A replaced by G.
Protein change: p.His845Arg; replaces histidine 845 with arginine.
Molecular consequence: missense variant.
Genome position (GRCh38, 1-based): chr1:220,171,932, T>C on the plus strand (A>G on the coding strand, the complement: RAB3GAP2 is on the minus strand). VCF-style: chr1-220171932-T-C. GRCh37 (hg19) VCF-style: chr1-220345274-T-C.
Other names: c.2534A>G (NM_012414.3); short protein forms H845R.
Identifiers: ClinVar variation 1364881 (VCV001364881.6), dbSNP rs183772495, ClinGen allele CA1402394.

ClinVar aggregate classification (germline): Uncertain significance. Review status: criteria provided, multiple submitters, no conflicts (2 of 4 stars). 2 submissions from 2 submitters: Uncertain significance (2). Last evaluated 2025-06-24.

Conditions:
RAB3GAP2-related disorder. Also called: RAB3GAP2-related condition; RAB3GAP2-related disorders.
Warburg micro syndrome 2 (WARBM2). Also called: MICRO SYNDROME 2. Identifiers: Orphanet 2510, MedGen C3280214, MONDO:0013641, OMIM 614225.
Martsolf syndrome (MARTS). Also called: Congenital cataract with intellectual disability and hypogonadotropic hypogonadism syndrome. Identifiers: Orphanet 1387, MedGen C0796037, MONDO:0023910.

Allele frequency attached by ClinVar (database versions not stated): ExAC 0.00002; gnomAD exomes 0.00002; gnomAD 0.00003; TOPMed 0.00003; 1000 Genomes Project 0.00020; 1000 Genomes Project 30x 0.00031.
gnomAD v4.1: 52 of 1,614,218 alleles (0.0032%); highest among the groups gnomAD compares: African/African-American, 0.008%; no homozygotes.

Submissions (2):

PreventionGenetics, part of Exact Sciences
Classification: Uncertain significance for RAB3GAP2-related condition. Last evaluated: 2025-06-24. Review status: criteria provided, single submitter. Criteria: ACMG Guidelines, 2015. Collection method: clinical testing. Allele origin: germline.
Comment: The RAB3GAP2 c.2534A>G variant is predicted to result in the amino acid substitution p.His845Arg. To our knowledge, this variant has not been reported in the literature. This variant is reported in 0.0062% of alleles in individuals of African descent in gnomAD. At this time, the clinical significance of this variant is uncertain due to the absence of conclusive functional and genetic evidence.

Labcorp Genetics (formerly Invitae), Labcorp
Classification: Uncertain significance for Martsolf syndrome; Warburg micro syndrome 2. Last evaluated: 2021-09-24. Review status: criteria provided, single submitter. Criteria: Invitae Variant Classification Sherloc (09022015). Collection method: clinical testing. Allele origin: germline.
Comment: This sequence change replaces histidine with arginine at codon 845 of the RAB3GAP2 protein (p.His845Arg). The histidine residue is moderately conserved and there is a small physicochemical difference between histidine and arginine. This variant is present in population databases (rs183772495, ExAC 0.01%). This variant has not been reported in the literature in individuals with RAB3GAP2-related conditions. Algorithms developed to predict the effect of missense changes on protein structure and function (SIFT, PolyPhen-2, Align-GVGD) all suggest that this variant is likely to be tolerated, but these predictions have not been confirmed by published functional studies and their clinical significance is uncertain. In summary, the available evidence is currently insufficient to determine the role of this variant in disease. Therefore, it has been classified as a Variant of Uncertain Significance.